The following is an entry in ClinVar:

ClinVar aggregate classification (germline): Uncertain significance. Review status: criteria provided, multiple submitters, no conflicts (2 of 4 stars). 9 submissions from 9 submitters: Uncertain significance (8). 1 of the submissions does not count toward it. Last evaluated 2026-03-26.

Conditions:
Hereditary cancer-predisposing syndrome. Also called: Hereditary Cancer Syndrome; Neoplastic Syndromes, Hereditary; Hereditary neoplastic syndrome; Tumor predisposition. Identifiers: Orphanet 140162, MedGen C0027672, MeSH D009386, MONDO:0015356.
POLE-related disorder. Also called: POLE-related disorders; POLE-related condition.
POLD1-related polyposis and colorectal cancer syndrome (CRCS10). Also called: COLORECTAL CANCER, SUSCEPTIBILITY TO, ON CHROMOSOME 19q; Colorectal cancer 10; Colorectal cancer, susceptibility to, 10. Identifiers: Orphanet 220460, MedGen C2675481, MONDO:0012953, OMIM 612591.
Colorectal cancer, susceptibility to, 12 (CRCS12). Also called: COLORECTAL CANCER, SUSCEPTIBILITY TO, ON CHROMOSOME 12q24. Identifiers: Orphanet 220460, MedGen C3554460, MONDO:0014038, OMIM 615083.

Submissions (9):

PreventionGenetics, part of Exact Sciences
Classification: Uncertain significance for POLE-related condition. Last evaluated: 2026-03-26. Review status: criteria provided, single submitter. Criteria: ACMG Guidelines, 2015. Collection method: clinical testing. Allele origin: germline.
Comment: The POLE c.1171_1173delAAG variant is predicted to result in an in-frame deletion (p.Lys391del). This variant was reported as a variant of uncertain significance in an individual undergoing testing for hereditary cancer (Mu et al. 2016. PubMed ID: 27720647). This variant is reported in 0.010% of alleles in individuals of European (Non-Finnish) descent in gnomAD and is interpreted as uncertain in ClinVar (Variation ID: 240380). At this time, the clinical significance of this variant is uncertain due to the absence of conclusive functional and genetic evidence.

Labcorp Genetics (formerly Invitae), Labcorp
Classification: Uncertain significance. Last evaluated: 2026-01-19. Review status: criteria provided, single submitter. Criteria: Invitae Variant Classification Sherloc (09022015). Collection method: clinical testing. Allele origin: germline.
Comment: This variant, c.1171_1173del, results in the deletion of 1 amino acid(s) of the POLE protein (p.Lys391del), but otherwise preserves the integrity of the reading frame. This variant is present in population databases (rs753999122, gnomAD 0.01%). This variant has been observed in individual(s) with clinical features of POLE-related conditions (PMID: 27720647). ClinVar contains an entry for this variant (Variation ID: 240380). Experimental studies and prediction algorithms are not available or were not evaluated, and the functional significance of this variant is currently unknown. In summary, the available evidence is currently insufficient to determine the role of this variant in disease. Therefore, it has been classified as a Variant of Uncertain Significance.

Ambry Genetics
Classification: Uncertain significance for Hereditary cancer-predisposing syndrome. Last evaluated: 2026-01-07. Review status: criteria provided, single submitter. Criteria: Ambry Variant Classification Scheme 2023. Collection method: clinical testing. Allele origin: germline.
Comment: The c.1171_1173delAAG variant (also known as p.K391del) is located in coding exon 12 of the POLE gene. This variant results from an in-frame AAG deletion at nucleotide positions 1171 to 1173. This results in the in-frame deletion of a lysine at codon 391. The deleted amino acid position is highly conserved in available vertebrate species. In addition, this alteration is predicted to be deleterious by in silico analysis (Choi Y et al. PLoS ONE. 2012; 7(10):e46688). Based on the available evidence, the clinical significance of this variant remains unclear.

Molecular Pathology, Peter Maccallum Cancer Centre
Classification: Uncertain significance for POLD1-related polyposis and colorectal cancer syndrome. Last evaluated: 2025-02-10. Review status: criteria provided, single submitter. Criteria: ACMG Guidelines, 2015. Collection method: clinical testing. Allele origin: germline. Inheritance: Autosomal dominant inheritance.

GeneDx
Classification: Uncertain significance. Last evaluated: 2024-09-13. Review status: criteria provided, single submitter. Criteria: GeneDx Variant Classification Process June 2021. Collection method: clinical testing. Allele origin: germline. Affected: yes.
Comment: In silico analysis supports a deleterious effect on protein structure/function; Absent in cases but observed in a control individual in a melanoma case-control study (PMID: 29641532); In-frame deletion of 1 amino acid in a non-repeat region; This variant is associated with the following publications: (PMID: 27720647, 29641532, 20951805)

Quest Diagnostics Nichols Institute San Juan Capistrano
Classification: Uncertain significance. Last evaluated: 2024-05-29. Review status: criteria provided, single submitter. Criteria: Quest Diagnostics criteria. Collection method: clinical testing. Allele origin: unknown.
Comment: The POLE c.1171_1173del (p.Lys391del) variant has been reported in the published literature in an individual undergoing hereditary cancer testing (PMID: 27720647 (2016)), individuals with breast cancer (PMID: 37231433 (2023)), and a control in a melanoma case-control study (PMID: 29641532 (2018)). The frequency of this variant in the general population, 0.0001 (13/129132 chromosomes in European (Non-Finnish) subpopulation (Genome Aggregation Database)), is higher than would generally be expected for pathogenic variants in this gene. Based on the available information, we are unable to determine the clinical significance of this variant.

Myriad Genetics, Inc.
Classification: Uncertain significance for Colorectal cancer, susceptibility to, 12. Last evaluated: 2023-04-19. Review status: criteria provided, single submitter. Criteria: Myriad Autosomal Dominant, Autosomal Recessive and X-Linked Classification Criteria (2023). Collection method: clinical testing. Allele origin: unknown.
Comment: This variant is classified as a variant of uncertain significance as there is insufficient evidence to determine its impact on protein function and/or cancer risk.

Sema4
Classification: Uncertain significance for Hereditary cancer-predisposing syndrome. Last evaluated: 2021-09-01. Review status: criteria provided, single submitter. Criteria: Sema4 Curation Guidelines. Collection method: curation. Allele origin: germline.
Comment: The POLE c.1171_1173delAAG (p.K391del) variant has been reported in at least one individual undergoing hereditary cancer multigene panel testing (PMID: 27720647). This 3 base pair deletion removes a highly conserved lysine residue at position 391, but otherwise preserves the integrity of the reading frame. It was observed in 13/129132 chromosomes of the Non-Finnish European subpopulation in the large and broad cohorts of the Genome Aggregation Database (PMID: 32461654). The variant has been reported in ClinVar (Variation ID: 240380). The evidence is insufficient to meet ACMG/AMP criteria for classifying the variant as benign or pathogenic. Thus, the clinical significance of this variant is currently uncertain.

Counsyl
Classification: Uncertain significance for Colorectal cancer, susceptibility to, 12. Last evaluated: 2017-07-11. Review status: no assertion criteria provided. Collection method: clinical testing. Allele origin: unknown. Not counted in ClinVar's aggregate classification.

Literature cited by the submitters: PubMed 27720647 (cited by 3 submitters); PubMed 29641532 (cited by Ambry Genetics and Quest Diagnostics Nichols Institute San Juan Capistrano); PubMed 37231433 (cited by Quest Diagnostics Nichols Institute San Juan Capistrano).

NM_006231.4(POLE):c.1171_1173del (p.Lys391del)

Gene: POLE (DNA polymerase epsilon, catalytic subunit; minus strand). Cytogenetic location: 12q24.33.
Variant type: Deletion.
Coding change: c.1171_1173del on transcript NM_006231.4 (MANE Select); coding-DNA positions 1171 to 1173, 3 bases deleted (AAG; older notation c.1171_1173delAAG).
Protein change: p.Lys391del; deletes lysine 391.
Molecular consequence: inframe deletion.
Genome position (GRCh38, 1-based): chr12:132,675,451-132,675,453, CTT deleted on the plus strand (AAG on the coding strand, the reverse complement: POLE is on the minus strand); deleting any 3 consecutive bases within chr12:132,675,451-132,675,455 gives the same sequence; the c. name uses the placement nearest the transcript's 3' end. VCF-style (leftmost placement, unchanged base first): chr12-132675450-CCTT-C. GRCh37 (hg19) VCF-style: chr12-133252036-CCTT-C.
Other names: c.1171_1173delAAG (NM_006231.3); c.1171_1173del (NM_006231.2); short protein forms K391del.
Identifiers: ClinVar variation 240380 (VCV000240380.25), dbSNP rs753999122, ClinGen allele CA6894056.